The following is an entry in ClinVar:

ClinVar aggregate classification (germline): Uncertain significance (1 of 4 stars; one submission).

Submission:

GeneDx
Classification: Uncertain significance. Last evaluated: 2019-07-22. Review status: criteria provided, single submitter. Criteria: GeneDx Variant Classification Process June 2021. Collection method: clinical testing. Allele origin: germline. Affected: yes.
Comment: Not observed in large population cohorts (Lek 2016); In-frame deletion of 6 amino acids in a non-repeat region; Has not been previously published as pathogenic or benign to our knowledge

NM_000051.4(ATM):c.8077_8094del (p.Ala2693_Leu2698del)

Genes: ATM (ATM serine/threonine kinase; plus strand), C11orf65 (chromosome 11 open reading frame 65; minus strand). Cytogenetic location: 11q22.3.
Variant type: Deletion.
Coding change: c.8077_8094del on transcript NM_000051.4 (MANE Select); coding-DNA positions 8077 to 8094, 18 bases deleted (GCAGGAGGTGTAAATTTA).
Protein change: p.Ala2693_Leu2698del.
Molecular consequence: inframe deletion. On other transcripts: inframe indel (1), intron variant (2).
Genome position (GRCh38, 1-based): chr11:108,335,035-108,335,052, GCAGGAGGTGTAAATTTA deleted; deleting any 18 consecutive bases within chr11:108,335,032-108,335,052 gives the same sequence; the c. name uses the placement nearest the transcript's 3' end. VCF-style (leftmost placement, unchanged base first): chr11-108335031-CTTAGCAGGAGGTGTAAAT-C. GRCh37 (hg19) VCF-style: chr11-108205758-CTTAGCAGGAGGTGTAAAT-C.
Other names: c.8077_8094del18, p.Ala2693_Leu2698del (NM_000051.3); c.8077_8094del, p.Ala2693_Leu2698del (NM_001351834.2); c.641-25978_641-25961del (NM_001330368.2); c.*38+171_*38+188del (NM_001351110.2).
Identifiers: ClinVar variation 1307367 (VCV001307367.4), dbSNP rs2136658658, ClinGen allele CA2573053415.